The following is an entry in ClinVar:

ClinVar aggregate classification (germline): Pathogenic (1 of 4 stars; one submission).

Submission:

GeneDx
Classification: Pathogenic. Last evaluated: 2020-02-28. Review status: criteria provided, single submitter. Criteria: GeneDx Variant Classification Process June 2021. Collection method: clinical testing. Allele origin: germline. Affected: yes.
Comment: Frameshift variant predicted to result in protein truncation or nonsense mediated decay in a gene for which loss-of-function is a known mechanism of disease; Not observed in large population cohorts (Lek et al., 2016); Has not been previously published as pathogenic or benign to our knowledge

NM_006950.3(SYN1):c.288del (p.Ser96fs)

Gene: SYN1 (synapsin I; minus strand). Cytogenetic location: Xp11.23.
Variant type: Deletion.
Coding change: c.288del on transcript NM_006950.3 (MANE Select); coding-DNA position 288, one base deleted (C; older notation c.288delC).
Protein change: p.Ser96fs; shifts the reading frame from serine 96.
Molecular consequence: frameshift variant.
Genome position (GRCh38, 1-based): chrX:47,619,441, G deleted on the plus strand (C on the coding strand, the reverse complement: SYN1 is on the minus strand). VCF-style (leftmost placement, unchanged base first): chrX-47619440-CG-C. GRCh37 (hg19) VCF-style: chrX-47478839-CG-C.
Other names: c.288delC (NM_133499.2); c.288del, p.Ser96fs (NM_133499.2); short protein forms S96fs.
Identifiers: ClinVar variation 817226 (VCV000817226.2), dbSNP rs1603078614, ClinGen allele CA915951035.
Genomic context (GRCh38, chrX:47,619,440, plus strand): 5'-GCAGCACCCTGGAGGCGGCTCCCCCGCGGCCTGCGCCCCCAGAGCCGCCGCCCACCTGCT[CG>C]CTGAAGGTGGCAGCTGCCGCCGCCGTGGTCTGCTTGACCGCGTTGGACAGCGACGAGAAG-3'